The following is an entry in ClinVar:

NM_001282531.3(ADNP):c.1137_1143del (p.Leu380fs)

Gene: ADNP (activity dependent neuroprotector homeobox; minus strand). Cytogenetic location: 20q13.13.
Variant type: Deletion.
Coding change: c.1137_1143del on transcript NM_001282531.3 (MANE Select); coding-DNA positions 1137 to 1143, 7 bases deleted (GCTTGGG; older notation c.1137_1143delGCTTGGG).
Protein change: p.Leu380fs; shifts the reading frame from leucine 380.
Molecular consequence: frameshift variant.
Genome position (GRCh38, 1-based): chr20:50,893,571-50,893,577, CCCAAGC deleted on the plus strand (GCTTGGG on the coding strand, the reverse complement: ADNP is on the minus strand); deleting any 7 consecutive bases within chr20:50,893,571-50,893,579 gives the same sequence; the c. name uses the placement nearest the transcript's 3' end. VCF-style (leftmost placement, unchanged base first): chr20-50893570-ACCCAAGC-A. GRCh37 (hg19) VCF-style: chr20-49510107-ACCCAAGC-A.
Other names: c.1137_1143del, p.Leu380fs (NM_001347511.2, NM_015339.5, NM_181442.4 and 1 more transcripts); c.1353_1359del, p.Leu452fs (NM_001439000.1); c.453_459del, p.Leu152fs (NM_001439001.1); short protein forms L152fs, L380fs, L452fs.
Identifiers: ClinVar variation 4880242 (VCV004880242.1).
Genomic context (GRCh38, chr20:50,893,570, plus strand): 5'-GAGAAGAGGCATTAGCAGACTGCAGGGAGTATCTTGCTGGTGCCTGGGACCTCTGCTCTG[ACCCAAGC>A]CCATAAGACCTTCCGTTTCCACTTGGAAGTAACTGCTTTACAGACTGAGATTGTTGAGGA-3'

ClinVar aggregate classification (germline): Pathogenic (1 of 4 stars; one submission).

Conditions:
ADNP-related multiple congenital anomalies - intellectual disability - autism spectrum disorder. Also called: Helsmoortel-Van der Aa Syndrome; ADNP-Related Helsmoortel-Van der Aa Syndrome. Identifiers: Orphanet 404448, MedGen C4014538, MONDO:0014379, OMIM 615873. Disease mechanism: loss of function.

Submission:

Gansu Provincial Maternity and Child Care Hospital
Classification: Pathogenic for ADNP-related multiple congenital anomalies - intellectual disability - autism spectrum disorder. Last evaluated: 2026-06-02. Review status: criteria provided, single submitter. Criteria: ACMG Guidelines, 2015. Collection method: clinical testing. Allele origin: de novo. Inheritance: Autosomal dominant inheritance. Affected: yes.
Comment: The c.1137_c.1143delGCTTGGG variant is a frameshift variant that leads to premature termination of translation (PVS1). Parental verification confirmed it as a de novo variant (PS2). This site is not recorded in the gnomAD database (PM2_supporting).This variant is classified as Pathogenic.